The following is an entry in ClinVar:

NM_002470.4(MYH3):c.3992C>T (p.Ala1331Val)

Gene: MYH3 (myosin heavy chain 3; minus strand). Cytogenetic location: 17p13.1.
Variant type: single nucleotide variant.
Coding change: c.3992C>T on transcript NM_002470.4 (MANE Select); coding-DNA position 3992, C replaced by T.
Protein change: p.Ala1331Val; replaces alanine 1331 with valine.
Molecular consequence: missense variant.
Genome position (GRCh38, 1-based): chr17:10,635,547, G>A on the plus strand (C>T on the coding strand, the complement: MYH3 is on the minus strand). VCF-style: chr17-10635547-G-A. GRCh37 (hg19) VCF-style: chr17-10538864-G-A.
Other names: c.3992C>T (NM_002470.3); short protein forms A1331V.
Identifiers: ClinVar variation 2196129 (VCV002196129.6), dbSNP rs143468882, ClinGen allele CA8392337.

ClinVar aggregate classification (germline): Uncertain significance. Review status: criteria provided, multiple submitters, no conflicts (2 of 4 stars). 3 submissions from 3 submitters: Uncertain significance (3). Last evaluated 2025-08-31.

Conditions:
Inborn genetic diseases. Identifiers: MedGen C0950123, MeSH D030342.
MYH3-related disorder. Also called: MYH3-related condition; MYH3-Related Disorders. Identifiers: MedGen CN239329.

Allele frequency attached by ClinVar (database versions not stated): ExAC 0.00001; gnomAD 0.00001; gnomAD exomes 0.00002; TOPMed 0.00002; ESP Exome Variant Server 0.00008.
gnomAD v4.1: 26 of 1,614,114 alleles (0.0016%); highest among the groups gnomAD compares: Admixed American, 0.0033%; no homozygotes.

Submissions (3):

Ambry Genetics
Classification: Uncertain significance for Inborn genetic diseases. Last evaluated: 2025-08-31. Review status: criteria provided, single submitter. Criteria: Ambry Variant Classification Scheme 2023. Collection method: clinical testing. Allele origin: germline.

PreventionGenetics, part of Exact Sciences
Classification: Uncertain significance for MYH3-related condition. Last evaluated: 2025-05-21. Review status: criteria provided, single submitter. Criteria: ACMG Guidelines, 2015. Collection method: clinical testing. Allele origin: germline.
Comment: The MYH3 c.3992C>T variant is predicted to result in the amino acid substitution p.Ala1331Val. To our knowledge, this variant has not been reported in the literature. This variant is reported in 0.0062% of alleles in individuals of African descent in gnomAD. At this time, the clinical significance of this variant is uncertain due to the absence of conclusive functional and genetic evidence.

Labcorp Genetics (formerly Invitae), Labcorp
Classification: Uncertain significance. Last evaluated: 2024-03-11. Review status: criteria provided, single submitter. Criteria: Invitae Variant Classification Sherloc (09022015). Collection method: clinical testing. Allele origin: germline.
Comment: This sequence change replaces alanine, which is neutral and non-polar, with valine, which is neutral and non-polar, at codon 1331 of the MYH3 protein (p.Ala1331Val). This variant is present in population databases (rs143468882, gnomAD 0.007%). This variant has not been reported in the literature in individuals affected with MYH3-related conditions. ClinVar contains an entry for this variant (Variation ID: 2196129). Advanced modeling of protein sequence and biophysical properties (such as structural, functional, and spatial information, amino acid conservation, physicochemical variation, residue mobility, and thermodynamic stability) performed at Invitae indicates that this missense variant is not expected to disrupt MYH3 protein function with a negative predictive value of 95%. In summary, the available evidence is currently insufficient to determine the role of this variant in disease. Therefore, it has been classified as a Variant of Uncertain Significance.